The following is an entry in ClinVar:

NM_006245.4(PPP2R5D):c.612_614del (p.Glu204_Ala205delinsAsp)

Gene: PPP2R5D (protein phosphatase 2 regulatory subunit B'delta; plus strand). Cytogenetic location: 6p21.1.
Variant type: Deletion.
Coding change: c.612_614del on transcript NM_006245.4 (MANE Select); coding-DNA positions 612 to 614, 3 bases deleted (AGC; older notation c.612_614delAGC).
Protein change: p.Glu204_Ala205delinsAsp.
Molecular consequence: inframe indel.
Genome position (GRCh38, 1-based): chr6:43,007,285-43,007,287, AGC deleted. VCF-style (leftmost placement, unchanged base first): chr6-43007284-AAGC-A. GRCh37 (hg19) VCF-style: chr6-42975022-AAGC-A.
Other names: c.159_161del, p.Glu53_Ala54delinsAsp (NM_001270476.2); c.516_518del, p.Glu172_Ala173delinsAsp (NM_180976.3); c.294_296del, p.Glu98_Ala99delinsAsp (NM_180977.3).
Identifiers: ClinVar variation 1217871 (VCV001217871.3), dbSNP rs2150278800, ClinGen allele CA2499218289.

ClinVar aggregate classification (germline): Likely pathogenic (1 of 4 stars; one submission).

Submission:

GeneDx
Classification: Likely pathogenic. Last evaluated: 2019-08-06. Review status: criteria provided, single submitter. Criteria: GeneDx Variant Classification Process June 2021. Collection method: clinical testing. Allele origin: germline. Affected: yes.
Comment: Not observed in large population cohorts (Lek et al., 2016); In-frame deletion of two amino acids and insertion of one amino acid in a non-repeat region; In silico analysis, which includes protein predictors and evolutionary conservation, supports a deleterious effect; Has not been previously published as pathogenic or benign to our knowledge